The following is an entry in ClinVar:

ClinVar aggregate classification (germline): Uncertain significance (1 of 4 stars; one submission).

Conditions:
Long QT syndrome (LQTS). Identifiers: MedGen C0023976, MeSH D008133, MONDO:0002442. Disease mechanism: loss of function. Inheritance: Various modes of inheritance.

Submission:

Labcorp Genetics (formerly Invitae), Labcorp
Classification: Uncertain significance for Long QT syndrome. Last evaluated: 2022-09-27. Review status: criteria provided, single submitter. Criteria: Invitae Variant Classification Sherloc (09022015). Collection method: clinical testing. Allele origin: germline.
Comment: In summary, the available evidence is currently insufficient to determine the role of this variant in disease. Therefore, it has been classified as a Variant of Uncertain Significance. Algorithms developed to predict the effect of missense changes on protein structure and function (SIFT, PolyPhen-2, Align-GVGD) all suggest that this variant is likely to be tolerated. This variant has not been reported in the literature in individuals affected with CAV3-related conditions. This variant is not present in population databases (gnomAD no frequency). This sequence change replaces cysteine, which is neutral and slightly polar, with glycine, which is neutral and non-polar, at codon 140 of the CAV3 protein (p.Cys140Gly).

NM_033337.3(CAV3):c.418T>G (p.Cys140Gly)

Genes: CAV3 (caveolin 3; plus strand), OXTR (oxytocin receptor; minus strand). Cytogenetic location: 3p25.3.
Variant type: single nucleotide variant.
Coding change: c.418T>G on transcript NM_033337.3 (MANE Select); coding-DNA position 418, T replaced by G.
Protein change: p.Cys140Gly; replaces cysteine 140 with glycine.
Molecular consequence: missense variant.
Genome position (GRCh38, 1-based): chr3:8,745,829, T>G. VCF-style: chr3-8745829-T-G. GRCh37 (hg19) VCF-style: chr3-8787515-T-G.
Other names: c.418T>G, p.Cys140Gly (NM_001234.5); short protein forms C140G.
Identifiers: ClinVar variation 1720358 (VCV001720358.5), dbSNP rs2470062786, ClinGen allele CA351663723.
Genomic context (GRCh38, chr3:8,745,829, plus strand): 5'-ATCTACTCACTCTGCATCCGCACCTTCTGCAACCCACTCTTCGCGGCCCTGGGCCAGGTC[T>G]GCAGCAGCATCAAGGTGGTGCTGCGGAAGGAGGTCTAAAGCCAGGTGGGGCAACAGCGGT-3'
Protein context (NP_203123.1, residues 130-150): NPLFAALGQV[Cys140Gly]SSIKVVLRKE